The following is an entry in ClinVar:

ClinVar aggregate classification (germline): Uncertain significance (1 of 4 stars; one submission).

Submission:

Women's Health and Genetics/Laboratory Corporation of America, LabCorp
Classification: Uncertain significance. Last evaluated: 2025-10-06. Review status: criteria provided, single submitter. Criteria: LabCorp Variant Classification Summary - May 2015. Collection method: clinical testing. Allele origin: germline.
Comment: Variant summary: The variant involves the duplication of exons 11-15 in the PMS2 gene. A presumed nomenclature of c.(1144+1_1145-1)_(*2475_?)dup has been designated for the purposes of this classification. The exact breakpoint at the 3' end of this variant is unknown, therefore this duplication may extend downstream of the annotated region of the gene. As it duplicates the termination codon, its effect on the encoded protein is unknown. The variant was absent in 118074 control chromosomes in the gnomAD database (Structural Variants v4.1 dataset). Although overlapping (apparent) duplications are reported in this region (some of them with high population frequencies), exons 11-15 of the PMS2 gene are known to be highly homologous to the PMS2CL pseudogene (see e.g. PMIDs: 27435373, 32090079), therefore the gnomAD population data in this region might not be reliable. To our knowledge, no occurrence of c.(1144+1_1145-1)_(*2475_?)dup in individuals affected with PMS2-related conditions and no experimental evidence demonstrating its impact on protein function have been reported. ClinVar contains an entry for this variant (Variation ID: 2691379). Based on the evidence outlined above, the variant was classified as uncertain significance.

NC_000007.13:g.(?_6010555)_(6027252_6029430)dup

Gene: PMS2 (PMS1 homolog 2, mismatch repair system component; minus strand). Cytogenetic location: 7p22.1.
Variant type: Duplication.
Identifiers: ClinVar variation 2691379 (VCV002691379.2).